The following is an entry in ClinVar:

ClinVar aggregate classification (germline): Uncertain significance (1 of 4 stars; one submission).

gnomAD v4.1: 1 of 1,614,138 alleles (0.000062%); highest among the groups gnomAD compares: Admixed American, 0.0017%; no homozygotes.

Submission:

Labcorp Genetics (formerly Invitae), Labcorp
Classification: Uncertain significance. Last evaluated: 2025-07-29. Review status: criteria provided, single submitter. Criteria: Invitae Variant Classification Sherloc (09022015). Collection method: clinical testing. Allele origin: germline.
Comment: This sequence change replaces alanine, which is neutral and non-polar, with threonine, which is neutral and polar, at codon 67 of the PTH protein (p.Ala67Thr). This variant is present in population databases (no rsID available, gnomAD 0.003%). This variant has not been reported in the literature in individuals affected with PTH-related conditions. An algorithm developed to predict the effect of missense changes on protein structure and function (PolyPhen-2) suggests that this variant is likely to be tolerated. In summary, the available evidence is currently insufficient to determine the role of this variant in disease. Therefore, it has been classified as a Variant of Uncertain Significance.

NM_000315.4(PTH):c.199G>A (p.Ala67Thr)

Gene: PTH (parathyroid hormone; minus strand). Cytogenetic location: 11p15.3.
Variant type: single nucleotide variant.
Coding change: c.199G>A on transcript NM_000315.4 (MANE Select); coding-DNA position 199, G replaced by A.
Protein change: p.Ala67Thr; replaces alanine 67 with threonine.
Molecular consequence: missense variant.
Genome position (GRCh38, 1-based): chr11:13,492,554, C>T on the plus strand (G>A on the coding strand, the complement: PTH is on the minus strand). VCF-style: chr11-13492554-C-T. GRCh37 (hg19) VCF-style: chr11-13514101-C-T.
Other names: c.295G>A, p.Ala99Thr (NM_001316352.2); short protein forms A67T, A99T.
Identifiers: ClinVar variation 4775419 (VCV004775419.1).
Genomic context (GRCh38, chr11:13,492,554, plus strand): 5'-CTTCCTTTTTTCGGGGCCTCTGGGAACCAGCATCTCTGGGAGCTAGAGGAGCTCCAAGGG[C>T]AACAAAATTGTGCACATCCTGCAGCTTCTTACGCAGCCATTCTACTCTCTCCATCGAGTT-3'
Protein context (NP_000306.1, residues 57-77): KKLQDVHNFV[Ala67Thr]LGAPLAPRDA